The following is an entry in ClinVar:

ClinVar aggregate classification (germline): Uncertain significance. Review status: criteria provided, multiple submitters, no conflicts (2 of 4 stars). 2 submissions from 2 submitters: Uncertain significance (2). Last evaluated 2025-11-23.

Allele frequency attached by ClinVar (database versions not stated): ExAC 0.00001; TOPMed 0.00001; gnomAD 0.00003.
gnomAD v4.1: 8 of 1,613,240 alleles (0.0005%); highest among the groups gnomAD compares: Admixed American, 0.012%; no homozygotes.

Submissions (2):

Labcorp Genetics (formerly Invitae), Labcorp
Classification: Uncertain significance. Last evaluated: 2025-11-23. Review status: criteria provided, single submitter. Criteria: Invitae Variant Classification Sherloc (09022015). Collection method: clinical testing. Allele origin: germline.
Comment: This sequence change replaces methionine, which is neutral and non-polar, with leucine, which is neutral and non-polar, at codon 784 of the SCN3A protein (p.Met784Leu). This variant is present in population databases (rs778744191, gnomAD 0.02%). This variant has not been reported in the literature in individuals affected with SCN3A-related conditions. ClinVar contains an entry for this variant (Variation ID: 641985). Invitae Evidence Modeling of protein sequence and biophysical properties (such as structural, functional, and spatial information, amino acid conservation, physicochemical variation, residue mobility, and thermodynamic stability) has been performed for this missense variant. However, the output from this modeling did not meet the statistical confidence thresholds required to predict the impact of this variant on SCN3A protein function. In summary, the available evidence is currently insufficient to determine the role of this variant in disease. Therefore, it has been classified as a Variant of Uncertain Significance.

GeneDx
Classification: Uncertain significance. Last evaluated: 2025-10-07. Review status: criteria provided, single submitter. Criteria: GeneDx Variant Classification Process June 2021. Collection method: clinical testing. Allele origin: germline. Affected: yes.
Comment: In silico analysis supports that this missense variant has a deleterious effect on protein structure/function; Has not been previously published as pathogenic or benign to our knowledge

NM_006922.4(SCN3A):c.2350A>C (p.Met784Leu)

Gene: SCN3A (sodium voltage-gated channel alpha subunit 3; minus strand). Cytogenetic location: 2q24.3.
Variant type: single nucleotide variant.
Coding change: c.2350A>C on transcript NM_006922.4 (MANE Select); coding-DNA position 2350, A replaced by C.
Protein change: p.Met784Leu; replaces methionine 784 with leucine.
Molecular consequence: missense variant.
Genome position (GRCh38, 1-based): chr2:165,137,920, T>G on the plus strand (A>C on the coding strand, the complement: SCN3A is on the minus strand). VCF-style: chr2-165137920-T-G. GRCh37 (hg19) VCF-style: chr2-165994430-T-G.
Other names: c.2203A>C, p.Met735Leu (NM_001081676.2, NM_001081677.2); short protein forms M735L, M784L.
Identifiers: ClinVar variation 641985 (VCV000641985.8), dbSNP rs778744191, ClinGen allele CA1938977.